The following is an entry in ClinVar:

ClinVar aggregate classification (germline): Uncertain significance (1 of 4 stars; one submission).

gnomAD v4.1: 3 of 1,527,962 alleles (0.0002%); highest among the groups gnomAD compares: Non-Finnish European, 0.00026%; no homozygotes.

Submission:

Labcorp Genetics (formerly Invitae), Labcorp
Classification: Uncertain significance. Last evaluated: 2024-07-11. Review status: criteria provided, single submitter. Criteria: Invitae Variant Classification Sherloc (09022015). Collection method: clinical testing. Allele origin: germline.
Comment: This sequence change replaces aspartic acid, which is acidic and polar, with asparagine, which is neutral and polar, at codon 164 of the ARID1B protein (p.Asp164Asn). This variant is not present in population databases (gnomAD no frequency). This variant has not been reported in the literature in individuals affected with ARID1B-related conditions. Experimental studies and prediction algorithms are not available or were not evaluated, and the functional significance of this variant is currently unknown. In summary, the available evidence is currently insufficient to determine the role of this variant in disease. Therefore, it has been classified as a Variant of Uncertain Significance.

NM_001374828.1(ARID1B):c.739G>A (p.Asp247Asn)

Genes: ARID1B (AT-rich interaction domain 1B; plus strand), LOC115308161 (uncharacterized LOC115308161; minus strand), LOC129997525 (ATAC-STARR-seq lymphoblastoid silent region 17712; plus strand). Cytogenetic location: 6q25.3.
Variant type: single nucleotide variant.
Coding change: c.739G>A on transcript NM_001374828.1 (MANE Select); coding-DNA position 739, G replaced by A.
Protein change: p.Asp247Asn; replaces aspartic acid 247 with asparagine.
Molecular consequence: missense variant. On other transcripts: non-coding transcript variant (1).
Genome position (GRCh38, 1-based): chr6:156,778,419, G>A. VCF-style: chr6-156778419-G-A. GRCh37 (hg19) VCF-style: chr6-157099553-G-A.
Other names: c.739G>A, p.Asp247Asn (NM_001371656.1, NM_001374820.1, NM_017519.3); short protein forms D247N.
Identifiers: ClinVar variation 3616591 (VCV003616591.2).